The following is an entry in ClinVar:

NM_016239.4(MYO15A):c.8046C>G (p.Tyr2682Ter)

Gene: MYO15A (myosin XVA; plus strand). Cytogenetic location: 17p11.2.
Variant type: single nucleotide variant.
Coding change: c.8046C>G on transcript NM_016239.4 (MANE Select); coding-DNA position 8046, C replaced by G.
Protein change: p.Tyr2682Ter; replaces tyrosine 2682 with a stop codon.
Molecular consequence: nonsense.
Genome position (GRCh38, 1-based): chr17:18,153,854, C>G. VCF-style: chr17-18153854-C-G. GRCh37 (hg19) VCF-style: chr17-18057168-C-G.
Other names: short protein forms Y2682*.
Identifiers: ClinVar variation 2718362 (VCV002718362.3), dbSNP rs2545293159, ClinGen allele CA398624593.
Genomic context (GRCh38, chr17:18,153,854, plus strand): 5'-GGAGCCCCCTGAGGAACTCACGCAGACGCGGCTGCACCGCCTCATCAATCCCAACTTCTA[C>G]GGCTATCAGGACGCCCCCTGGAAGATCTTCCTGCGCAAAGAGGTGCCGAGCACAGCCGTA-3'

ClinVar aggregate classification (germline): Pathogenic (1 of 4 stars; one submission).

Submission:

Labcorp Genetics (formerly Invitae), Labcorp
Classification: Pathogenic. Last evaluated: 2023-12-18. Review status: criteria provided, single submitter. Criteria: Invitae Variant Classification Sherloc (09022015). Collection method: clinical testing. Allele origin: germline.
Comment: This sequence change creates a premature translational stop signal (p.Tyr2682*) in the MYO15A gene. It is expected to result in an absent or disrupted protein product. Loss-of-function variants in MYO15A are known to be pathogenic (PMID: 17546645). This variant is not present in population databases (gnomAD no frequency). This variant has not been reported in the literature in individuals affected with MYO15A-related conditions. For these reasons, this variant has been classified as Pathogenic.

Literature cited by the submitters: PubMed 17546645.